The following is an entry in ClinVar:

ClinVar aggregate classification (germline): Uncertain significance (1 of 4 stars; one submission).

Conditions:
Primary ciliary dyskinesia 27. Also called: CILIARY DYSKINESIA, PRIMARY, 27, WITHOUT SITUS INVERSUS. Identifiers: Orphanet 244, MedGen C3809701, MONDO:0014215, OMIM 615504.

Submission:

Labcorp Genetics (formerly Invitae), Labcorp
Classification: Uncertain significance for Primary ciliary dyskinesia 27. Last evaluated: 2019-11-01. Review status: criteria provided, single submitter. Criteria: Invitae Variant Classification Sherloc (09022015). Collection method: clinical testing. Allele origin: germline.
Comment: This sequence change results in a premature translational stop signal in the CCDC65 gene (p.Ser446Thrfs*4). While this is not anticipated to result in nonsense mediated decay, it is expected to disrupt the last 39 amino acids of the CCDC65 protein. This variant is not present in population databases (ExAC no frequency). This variant has not been reported in the literature in individuals with CCDC65-related conditions. Experimental studies and prediction algorithms are not available or were not evaluated, and the functional significance of this variant is currently unknown. In summary, the available evidence is currently insufficient to determine the role of this variant in disease. Therefore, it has been classified as a Variant of Uncertain Significance.

NM_033124.5(DRC2):c.1337_1340del (p.Ser446fs)

Gene: DRC2 (dynein regulatory complex subunit 2; plus strand). Cytogenetic location: 12q13.12.
Variant type: Microsatellite.
Coding change: c.1337_1340del on transcript NM_033124.5 (MANE Select); coding-DNA positions 1337 to 1340, 4 bases deleted (GTGA; older notation c.1337_1340delGTGA).
Protein change: p.Ser446fs; shifts the reading frame from serine 446.
Molecular consequence: frameshift variant.
Genome position (GRCh38, 1-based): chr12:48,921,325-48,921,328, GTGA deleted; deleting any 4 consecutive bases within chr12:48,921,320-48,921,328 gives the same sequence; the c. name uses the placement nearest the transcript's 3' end. VCF-style (leftmost placement, unchanged base first): chr12-48921319-CAGTG-C. GRCh37 (hg19) VCF-style: chr12-49315102-CAGTG-C.
Other names: c.908_911del, p.Ser303fs (NM_001286957.2); short protein forms S446fs, S303fs.
Identifiers: ClinVar variation 965354 (VCV000965354.7), dbSNP rs1939825876, ClinGen allele CA2034902033.
Genomic context (GRCh38, chr12:48,921,319, plus strand): 5'-AGCTGCTAGATATCAATGGGAAGCTGCGGGAGATGCTGAAGCAGTACTTGGATGGCATCT[CAGTG>C]AGTGACGAAGTGCTGAGCCAGCTCAACCCACTCTTTATAGTCAACTATCAAAGCAACTTA-3'